The following is an entry in ClinVar:

ClinVar aggregate classification (germline): Uncertain significance (1 of 4 stars; one submission).

Conditions:
Developmental and epileptic encephalopathy, 53. Also called: Epileptic encephalopathy, early infantile, 53. Identifiers: MedGen C4479313, MONDO:0033362, OMIM 617389.
Early-onset Parkinson disease 20. Also called: PARKINSON DISEASE 20, AUTOSOMAL RECESSIVE EARLY-ONSET. Identifiers: Orphanet 391411, MedGen C3809824, MONDO:0014233, OMIM 615530.

Allele frequency attached by ClinVar (database versions not stated): gnomAD exomes below 0.00001.

Submission:

Labcorp Genetics (formerly Invitae), Labcorp
Classification: Uncertain significance for Developmental and epileptic encephalopathy, 53; Early-onset Parkinson disease 20. Last evaluated: 2026-02-02. Review status: criteria provided, single submitter. Criteria: Invitae Variant Classification Sherloc (09022015). Collection method: clinical testing. Allele origin: germline.
Comment: This sequence change replaces glutamine, which is neutral and polar, with proline, which is neutral and non-polar, at codon 461 of the SYNJ1 protein (p.Gln461Pro). This variant is present in population databases (no rsID available, gnomAD 0.0009%). This variant has not been reported in the literature in individuals affected with SYNJ1-related conditions. ClinVar contains an entry for this variant (Variation ID: 1035021). Invitae Evidence Modeling of protein sequence and biophysical properties (such as structural, functional, and spatial information, amino acid conservation, physicochemical variation, residue mobility, and thermodynamic stability) has been performed for this missense variant. However, the output from this modeling did not meet the statistical confidence thresholds required to predict the impact of this variant on SYNJ1 protein function. In summary, the available evidence is currently insufficient to determine the role of this variant in disease. Therefore, it has been classified as a Variant of Uncertain Significance.

NM_203446.3(SYNJ1):c.1265A>C (p.Gln422Pro)

Gene: SYNJ1 (synaptojanin 1; minus strand). Cytogenetic location: 21q22.11.
Variant type: single nucleotide variant.
Coding change: c.1265A>C on transcript NM_203446.3 (MANE Select); coding-DNA position 1265, A replaced by C.
Protein change: p.Gln422Pro; replaces glutamine 422 with proline.
Molecular consequence: missense variant.
Genome position (GRCh38, 1-based): chr21:32,681,584, T>G on the plus strand (A>C on the coding strand, the complement: SYNJ1 is on the minus strand). VCF-style: chr21-32681584-T-G. GRCh37 (hg19) VCF-style: chr21-34053894-T-G.
Other names: c.1265A>C, p.Gln422Pro (NM_001160302.2, NM_001160306.2); c.1382A>C, p.Gln461Pro (NM_003895.4); short protein forms Q461P, Q422P.
Identifiers: ClinVar variation 1035021 (VCV001035021.9), dbSNP rs1474918219, ClinGen allele CA410090145.